The following is an entry in ClinVar:

ClinVar aggregate classification (germline): Uncertain significance (1 of 4 stars; one submission).

Conditions:
Methylcobalamin deficiency type cblE (HMAE). Also called: HOMOCYSTINURIA-MEGALOBLASTIC ANEMIA, cblE COMPLEMENTATION TYPE; VITAMIN B12-RESPONSIVE HOMOCYSTINURIA, cblE TYPE; HOMOCYSTINURIA-MEGALOBLASTIC ANEMIA, cblE TYPE. Identifiers: Orphanet 2169, Orphanet 622, MedGen C1856057, MONDO:0009354, OMIM 236270.

Allele frequency attached by ClinVar (database versions not stated): gnomAD exomes below 0.00001; gnomAD 0.00001; TOPMed 0.00001.
gnomAD v4.1: 7 of 1,614,106 alleles (0.00043%); highest among the groups gnomAD compares: Non-Finnish European, 0.00059%; no homozygotes.

Submission:

Labcorp Genetics (formerly Invitae), Labcorp
Classification: Uncertain significance for Methylcobalamin deficiency type cblE. Last evaluated: 2022-01-10. Review status: criteria provided, single submitter. Criteria: Invitae Variant Classification Sherloc (09022015). Collection method: clinical testing. Allele origin: germline.
Comment: This sequence change replaces leucine, which is neutral and non-polar, with phenylalanine, which is neutral and non-polar, at codon 235 of the MTRR protein (p.Leu235Phe). This variant is not present in population databases (gnomAD no frequency). This variant has not been reported in the literature in individuals affected with MTRR-related conditions. Algorithms developed to predict the effect of missense changes on protein structure and function are either unavailable or do not agree on the potential impact of this missense change (SIFT: "Deleterious"; PolyPhen-2: "Benign"; Align-GVGD: "Class C0"). In summary, the available evidence is currently insufficient to determine the role of this variant in disease. Therefore, it has been classified as a Variant of Uncertain Significance.

NM_002454.3(MTRR):c.703C>T (p.Leu235Phe)

Gene: MTRR (5-methyltetrahydrofolate-homocysteine methyltransferase reductase; plus strand). Cytogenetic location: 5p15.31.
Variant type: single nucleotide variant.
Coding change: c.703C>T on transcript NM_002454.3 (MANE Select); coding-DNA position 703, C replaced by T.
Protein change: p.Leu235Phe; replaces leucine 235 with phenylalanine.
Molecular consequence: missense variant. On other transcripts: non-coding transcript variant (14).
Genome position (GRCh38, 1-based): chr5:7,878,245, C>T. VCF-style: chr5-7878245-C-T. GRCh37 (hg19) VCF-style: chr5-7878358-C-T.
Other names: c.703C>T, p.Leu235Phe (NM_001364440.2, NM_001364441.2, NM_001364442.2 and 1 more transcripts); short protein forms L235F.
Identifiers: ClinVar variation 1515064 (VCV001515064.5), dbSNP rs1238722351, ClinGen allele CA359157289.